The following is an entry in ClinVar:

NM_053025.4(MYLK):c.479C>G (p.Pro160Arg)

Gene: MYLK (myosin light chain kinase; minus strand). Cytogenetic location: 3q21.1.
Variant type: single nucleotide variant.
Coding change: c.479C>G on transcript NM_053025.4 (MANE Select); coding-DNA position 479, C replaced by G.
Protein change: p.Pro160Arg; replaces proline 160 with arginine.
Molecular consequence: missense variant. On other transcripts: 5 prime UTR variant (1).
Genome position (GRCh38, 1-based): chr3:123,739,006, G>C on the plus strand (C>G on the coding strand, the complement: MYLK is on the minus strand). VCF-style: chr3-123739006-G-C. GRCh37 (hg19) VCF-style: chr3-123457853-G-C.
Other names: c.-50C>G (NM_001321309.2); c.479C>G, p.Pro160Arg (NM_053026.4, NM_053027.4, NM_053028.4); short protein forms P160R.
Identifiers: ClinVar variation 262287 (VCV000262287.31), dbSNP rs111256888, ClinGen allele CA072380.
Genomic context (GRCh38, chr3:123,739,006, plus strand): 5'-AATCGTCCCATCTGTCCTTCTTTGACCACAACTCGGCCCAGCTTGGTAGCAAACTTTGGT[G>C]GGCACTCCCCCCAGATGCTAGGACGGGTCTCCACTGCTGGAGCTGAAAATCTATCCCTGT-3'
Protein context (NP_444253.3, residues 150-170): ETRPSIWGEC[Pro160Arg]PKFATKLGRV

ClinVar aggregate classification (germline): Benign/Likely benign. Review status: criteria provided, multiple submitters, no conflicts (2 of 4 stars). 9 submissions from 9 submitters: Benign (7); Likely benign (2). Last evaluated 2026-02-02.

Conditions:
Familial thoracic aortic aneurysm and aortic dissection (TAAD). Also called: Thoracic aortic aneurysms and dissections. Identifiers: Orphanet 91387, MedGen C4707243, MONDO:0019625.
Aortic aneurysm, familial thoracic 7 (AAT7). Also called: AORTIC DISSECTION, FAMILIAL, WITH OR WITHOUT AORTIC ANEURYSM. Identifiers: MedGen C3151077, MONDO:0013418, OMIM 613780.

Allele frequency attached by ClinVar (database versions not stated): 1000 Genomes Project 0.00459; ESP Exome Variant Server 0.00531; gnomAD exomes 0.00038 and 0.00115; 1000 Genomes Project 30x 0.00468; ExAC 0.00143; TOPMed 0.00501; gnomAD 0.00413 and 0.00440.
gnomAD v4.1: 1,195 of 1,613,754 alleles (0.074%); highest among the groups gnomAD compares: African/African-American, 1.4%; 19 homozygotes.

Submissions (9):

Labcorp Genetics (formerly Invitae), Labcorp
Classification: Benign for Aortic aneurysm, familial thoracic 7. Last evaluated: 2026-02-02. Review status: criteria provided, single submitter. Criteria: Invitae Variant Classification Sherloc (09022015). Collection method: clinical testing. Allele origin: germline.

ARUP Laboratories, Molecular Genetics and Genomics, ARUP Laboratories
Classification: Benign. Last evaluated: 2024-01-11. Review status: criteria provided, single submitter. Criteria: ARUP Molecular Germline Variant Investigation Process 2024. Collection method: clinical testing. Allele origin: germline.

Mayo Clinic Laboratories, Mayo Clinic
Classification: Benign. Last evaluated: 2023-04-26. Review status: criteria provided, single submitter. Criteria: ACMG Guidelines, 2015. Collection method: clinical testing. Allele origin: germline. Observed: 6 variant alleles.
Comment: BS1, BS2

Women's Health and Genetics/Laboratory Corporation of America, LabCorp
Classification: Benign. Last evaluated: 2019-10-15. Review status: criteria provided, single submitter. Criteria: LabCorp Variant Classification Summary - May 2015. Collection method: clinical testing. Allele origin: germline.
Comment: Variant summary: MYLK c.479C>G (p.Pro160Arg) results in a non-conservative amino acid change in the encoded protein sequence. Four of five in-silico tools predict a damaging effect of the variant on protein function. The variant allele was found at a frequency of 0.0012 in 250756 control chromosomes, predominantly at a frequency of 0.016 within the African or African-American subpopulation in the gnomAD database, including 4 homozygotes. The observed variant frequency within African or African-American control individuals in the gnomAD database is approximately 640 fold of the estimated maximal expected allele frequency for a pathogenic variant in MYLK causing Aortopathy phenotype (2.5e-05), strongly suggesting that the variant is a benign polymorphism found primarily in populations of African or African-American origin. c.479C>G has been reported in the literature without strong evidence of causality (Pal_2017). This report does not provide unequivocal conclusions about association of the variant with Aortopathy. To our knowledge, no experimental evidence demonstrating an impact on protein function has been reported. Four ClinVar submitters (evaluation after 2014) cite the variant as benign (x3) and likely benign (x1). Based on the evidence outlined above, the variant was classified as benign.

CHEO Genetics Diagnostic Laboratory, Children's Hospital of Eastern Ontario
Classification: Likely benign for Familial thoracic aortic aneurysm and aortic dissection. Last evaluated: 2017-09-07. Review status: criteria provided, single submitter. Criteria: ACMG Guidelines, 2015. Collection method: clinical testing. Allele origin: germline. Study: Canadian Open Genetics Repository.

GeneDx
Classification: Benign. Last evaluated: 2016-12-01. Review status: criteria provided, single submitter. Criteria: GeneDx Variant Classification (06012015). Collection method: clinical testing. Allele origin: germline. Affected: yes.
Comment: This variant is considered likely benign or benign based on one or more of the following criteria: it is a conservative change, it occurs at a poorly conserved position in the protein, it is predicted to be benign by multiple in silico algorithms, and/or has population frequency not consistent with disease.

Ambry Genetics
Classification: Benign for Familial thoracic aortic aneurysm and aortic dissection. Last evaluated: 2015-02-11. Review status: criteria provided, single submitter. Criteria: Ambry Variant Classification Scheme 2023. Collection method: clinical testing. Allele origin: germline.

Breakthrough Genomics
Classification: Likely benign. Review status: criteria provided, single submitter. Criteria: ACMG Guidelines, 2015. Collection method: not provided. Allele origin: germline. Inheritance: Autosomal recessive inheritance. Affected: yes.

PreventionGenetics, part of Exact Sciences
Classification: Benign. Review status: criteria provided, single submitter. Criteria: ACMG Guidelines, 2015. Collection method: clinical testing. Allele origin: germline.

Literature cited by the submitters: PubMed 27879251 (cited by Women's Health and Genetics/Laboratory Corporation of America, LabCorp); PubMed 28512736 (cited by Women's Health and Genetics/Laboratory Corporation of America, LabCorp).